The following is an entry in ClinVar:

NM_033380.3(COL4A5):c.3401G>A (p.Gly1134Asp)

Gene: COL4A5 (collagen type IV alpha 5 chain; plus strand). Cytogenetic location: Xq22.3.
Variant type: single nucleotide variant.
Coding change: c.3401G>A on transcript NM_033380.3 (MANE Select); coding-DNA position 3401, G replaced by A.
Protein change: p.Gly1134Asp; replaces glycine 1134 with aspartic acid.
Molecular consequence: missense variant.
Genome position (GRCh38, 1-based): chrX:108,665,534, G>A. VCF-style: chrX-108665534-G-A. GRCh37 (hg19) VCF-style: chrX-107908764-G-A.
Other names: c.3401G>A, p.Gly1134Asp (NM_000495.5); short protein forms G1134D.
Identifiers: ClinVar variation 4705906 (VCV004705906.1).

ClinVar aggregate classification (germline): Likely pathogenic (1 of 4 stars; one submission).

Submission:

Labcorp Genetics (formerly Invitae), Labcorp
Classification: Likely pathogenic. Last evaluated: 2025-11-10. Review status: criteria provided, single submitter. Criteria: Invitae Variant Classification Sherloc (09022015). Collection method: clinical testing. Allele origin: germline.
Comment: This sequence change replaces glycine, which is neutral and non-polar, with aspartic acid, which is acidic and polar, at codon 1134 of the COL4A5 protein (p.Gly1134Asp). This variant is not present in population databases (gnomAD no frequency). This variant has not been reported in the literature in individuals affected with COL4A5-related conditions. Invitae Evidence Modeling of protein sequence and biophysical properties (such as structural, functional, and spatial information, amino acid conservation, physicochemical variation, residue mobility, and thermodynamic stability) indicates that this missense variant is expected to disrupt COL4A5 protein function with a positive predictive value of 95%. This variant disrupts the triple helix domain of COL4A5. Glycine residues within the Gly-Xaa-Yaa repeats of the triple helix domain are required for the structure and stability of fibrillar collagens (PMID: 7695699, 8218237, 19344236). In COL4A5, missense variants at these glycine residues are significantly enriched in individuals with disease (PMID: 23720012, 27627812) compared to the general population (ExAC). In summary, the currently available evidence indicates that the variant is pathogenic, but additional data are needed to prove that conclusively. Therefore, this variant has been classified as Likely Pathogenic.

Literature cited by the submitters: PubMed 7695699; PubMed 8218237; PubMed 19344236; PubMed 23720012; PubMed 27627812.